The following is an entry in ClinVar:

NM_001142966.3(GREB1L):c.5472+1_5472+2dup

Gene: GREB1L (GREB1 like retinoic acid receptor coactivator; plus strand). Cytogenetic location: 18q11.2.
Variant type: Duplication.
Coding change: c.5472+1_5472+2dup on transcript NM_001142966.3 (MANE Select); the canonical splice donor site of the intron after coding-DNA position 5472, 2 bases duplicated (GT; older notation c.5472+1_5472+2dupGT).
Molecular consequence: splice donor variant.
Genome position (GRCh38, 1-based): chr18:21,518,235-21,518,236, GT duplicated. VCF-style (leftmost placement, unchanged base first): chr18-21518234-G-GGT. GRCh37 (hg19) VCF-style: chr18-19098195-G-GGT.
Identifiers: ClinVar variation 1381735 (VCV001381735.6), dbSNP rs2146112295, ClinGen allele CA2573155170.

ClinVar aggregate classification (germline): Uncertain significance (1 of 4 stars; one submission).

Submission:

Labcorp Genetics (formerly Invitae), Labcorp
Classification: Uncertain significance. Last evaluated: 2021-09-17. Review status: criteria provided, single submitter. Criteria: Invitae Variant Classification Sherloc (09022015). Collection method: clinical testing. Allele origin: germline.
Comment: This sequence change falls in intron 31 of the GREB1L gene. It does not directly change the encoded amino acid sequence of the GREB1L protein. It affects a nucleotide within the consensus splice site of the intron. This variant is not present in population databases (ExAC no frequency). In summary, the available evidence is currently insufficient to determine the role of this variant in disease. Therefore, it has been classified as a Variant of Uncertain Significance. Variants that disrupt the consensus splice site are a relatively common cause of aberrant splicing (PMID: 17576681, 9536098). Algorithms developed to predict the effect of sequence changes on RNA splicing suggest that this variant may disrupt the consensus splice site. This variant has not been reported in the literature in individuals affected with GREB1L-related conditions.

Literature cited by the submitters: PubMed 17576681; PubMed 9536098.